The following is an entry in ClinVar:

NM_030930.4(UNC93B1):c.275A>G (p.Glu92Gly)

Genes: UNC93B1 (unc-93B1 regulator of TLR signaling; minus strand), LOC130006234 (ATAC-STARR-seq lymphoblastoid active region 5128; plus strand). Cytogenetic location: 11q13.2.
Variant type: single nucleotide variant.
Coding change: c.275A>G on transcript NM_030930.4 (MANE Select); coding-DNA position 275, A replaced by G.
Protein change: p.Glu92Gly; replaces glutamic acid 92 with glycine.
Molecular consequence: missense variant.
Genome position (GRCh38, 1-based): chr11:68,003,139, T>C on the plus strand (A>G on the coding strand, the complement: UNC93B1 is on the minus strand). VCF-style: chr11-68003139-T-C. GRCh37 (hg19) VCF-style: chr11-67770609-T-C.
Other names: short protein forms E92G.
Identifiers: ClinVar variation 872445 (VCV000872445.43), dbSNP rs1237970574, ClinGen allele CA381578451.

ClinVar aggregate classification (germline): Uncertain significance. Review status: criteria provided, multiple submitters, no conflicts (2 of 4 stars). 2 submissions from 2 submitters: Uncertain significance (2). Last evaluated 2021-10-27.

Conditions:
Encephalopathy, acute, infection-induced (herpes-specific), susceptibility to, 1. Also called: Herpes simplex encephalitis, susceptibility to, 1. Identifiers: Orphanet 1930, MedGen C2750180, MONDO:0024563, OMIM 610551.

Allele frequency attached by ClinVar (database versions not stated): gnomAD exomes below 0.00001; TOPMed below 0.00001; gnomAD 0.00001.
gnomAD v4.1: 3 of 1,613,158 alleles (0.00019%); highest among the groups gnomAD compares: Admixed American, 0.0017%; no homozygotes.

Submissions (2):

Labcorp Genetics (formerly Invitae), Labcorp
Classification: Uncertain significance for Encephalopathy, acute, infection-induced (herpes-specific), susceptibility to, 1. Last evaluated: 2021-10-27. Review status: criteria provided, single submitter. Criteria: Invitae Variant Classification Sherloc (09022015). Collection method: clinical testing. Allele origin: germline.
Comment: This sequence change replaces glutamic acid, a(n) acidic and polar amino acid, with glycine, a(n) neutral and non-polar amino acid, at codon 92 of the UNC93B1 protein (p.Glu92Gly). This variant is present in population databases (no rsID available, gnomAD 0.0009%). This variant has not been reported in the literature in individuals affected with UNC93B1-related conditions. ClinVar contains an entry for this variant (Variation ID: 872445). Experimental studies and prediction algorithms are not available or were not evaluated, and the functional significance of this variant is currently unknown. In summary, the available evidence is currently insufficient to determine the role of this variant in disease. Therefore, it has been classified as a Variant of Uncertain Significance.

CeGaT Center for Human Genetics Tuebingen
Classification: Uncertain significance. Last evaluated: 2019-07-01. Review status: criteria provided, single submitter. Criteria: CeGaT Center For Human Genetics Tuebingen Variant Classification Criteria Version 2. Collection method: clinical testing. Allele origin: germline. Affected: yes. Observed: 2 variant alleles.